The following is an entry in ClinVar:

ClinVar aggregate classification (germline): Uncertain significance (0 of 4 stars; one submission).

Conditions:
CHD3-related disorder. Also called: CHD3-related condition.

Submission:

PreventionGenetics, part of Exact Sciences
Classification: Uncertain significance for CHD3-related condition. Last evaluated: 2024-03-27. Review status: no assertion criteria provided. Collection method: clinical testing. Allele origin: germline.
Comment: The CHD3 c.3715A>T variant is predicted to result in the amino acid substitution p.Met1239Leu. To our knowledge, this variant has not been reported in the literature or in a large population database, indicating this variant is rare. At this time, the clinical significance of this variant is uncertain due to the absence of conclusive functional and genetic evidence.

NM_001005273.3(CHD3):c.3538A>T (p.Met1180Leu)

Gene: CHD3 (chromodomain helicase DNA binding protein 3; plus strand). Cytogenetic location: 17p13.1.
Variant type: single nucleotide variant.
Coding change: c.3538A>T on transcript NM_001005273.3 (MANE Select); coding-DNA position 3538, A replaced by T.
Protein change: p.Met1180Leu; replaces methionine 1180 with leucine.
Molecular consequence: missense variant.
Genome position (GRCh38, 1-based): chr17:7,903,314, A>T. VCF-style: chr17-7903314-A-T. GRCh37 (hg19) VCF-style: chr17-7806632-A-T.
Other names: c.3715A>T, p.Met1239Leu (NM_001005271.3); c.3538A>T, p.Met1180Leu (NM_005852.4); short protein forms M1180L, M1239L.
Identifiers: ClinVar variation 3349634 (VCV003349634.1).